The following is an entry in ClinVar:

ClinVar aggregate classification (germline): Uncertain significance (1 of 4 stars; one submission).

Submission:

GeneDx
Classification: Uncertain significance. Last evaluated: 2025-04-09. Review status: criteria provided, single submitter. Criteria: GeneDx Variant Classification Process June 2021. Collection method: clinical testing. Allele origin: germline. Affected: yes.
Comment: Not observed at significant frequency in large population cohorts (gnomAD); In silico analysis supports that this missense variant has a deleterious effect on protein structure/function; Has not been previously published as pathogenic or benign to our knowledge

NM_001205293.3(CACNA1E):c.4186C>A (p.Arg1396Ser)

Gene: CACNA1E (calcium voltage-gated channel subunit alpha1 E; plus strand). Cytogenetic location: 1q25.3.
Variant type: single nucleotide variant.
Coding change: c.4186C>A on transcript NM_001205293.3 (MANE Select); coding-DNA position 4186, C replaced by A.
Protein change: p.Arg1396Ser; replaces arginine 1396 with serine.
Molecular consequence: missense variant.
Genome position (GRCh38, 1-based): chr1:181,756,983, C>A. VCF-style: chr1-181756983-C-A. GRCh37 (hg19) VCF-style: chr1-181726119-C-A.
Other names: c.4186C>A, p.Arg1396Ser (NM_000721.4); c.4129C>A, p.Arg1377Ser (NM_001205294.2); short protein forms R1377S, R1396S.
Identifiers: ClinVar variation 4281785 (VCV004281785.1).